The following is an entry in ClinVar:

NM_052867.4(NALCN):c.2318G>A (p.Ser773Asn)

Gene: NALCN (sodium leak channel, non-selective; minus strand). Cytogenetic location: 13q33.1.
Variant type: single nucleotide variant.
Coding change: c.2318G>A on transcript NM_052867.4 (MANE Select); coding-DNA position 2318, G replaced by A.
Protein change: p.Ser773Asn; replaces serine 773 with asparagine.
Molecular consequence: missense variant.
Genome position (GRCh38, 1-based): chr13:101,110,665, C>T on the plus strand (G>A on the coding strand, the complement: NALCN is on the minus strand). VCF-style: chr13-101110665-C-T. GRCh37 (hg19) VCF-style: chr13-101763016-C-T.
Other names: c.2405G>A, p.Ser802Asn (NM_001350748.2); c.2318G>A, p.Ser773Asn (NM_001350749.2); c.2231G>A, p.Ser744Asn (NM_001350750.2, NM_001350751.2); short protein forms S744N, S773N, S802N.
Identifiers: ClinVar variation 4885776 (VCV004885776.2).
Genomic context (GRCh38, chr13:101,110,665, plus strand): 5'-TGCTTAAAACTTACATCTTGAGTCAAAGTTTCAAGAGATTTTCCCCTGCTGATCCTCTGG[C>T]TGTTTGATCCATGTCTTAGTGACCTAAAACAACCACAGGCACTGGTTAATACATCTCAAG-3'
Protein context (NP_443099.1, residues 763-783): ERRSLRHGSN[Ser773Asn]QRISRGKSLE

ClinVar aggregate classification (germline): Uncertain significance (1 of 4 stars; one submission).

gnomAD v4.1: 1 of 1,614,106 alleles (0.000062%); highest among the groups gnomAD compares: Admixed American, 0.0017%; no homozygotes.

Submission:

Dasa
Classification: Uncertain significance. Last evaluated: 2025-04-30. Review status: criteria provided, single submitter. Criteria: DASA Assertion Criteria. Collection method: clinical testing. Allele origin: germline.
Comment: NM_052867.4(NALCN):c.2318G>A (p.Ser773Asn) is a missense variant that results in the substitution of serine with asparagine. This variant is rare in population databases. The currently available literature and clinical evidence are not sufficient to establish a definitive association between this variant and the reported condition. Therefore, this variant is classified as a variant of uncertain significance.